The following is an entry in ClinVar:

ClinVar aggregate classification (germline): Uncertain significance (1 of 4 stars; one submission).

Submission:

ISCA Site 6
Classification: Uncertain significance. Last evaluated: 2011-08-12. Review status: criteria provided, single submitter. Criteria: Kaminsky et al. (Genet Med. 2011). Collection method: clinical testing. Allele origin: maternal. Affected: yes. Observed: 1 variant allele.
Comment: Copy number variation identified through the course of routine clinical cytogenomic testing in postnatal populations. Clinical assertions have been curated as described in Kaminsky et al. 2011.

GRCh38/hg38 16p13.11(chr16:14717194-16508540)x3

Genes: ABCC1 (ATP binding cassette subfamily C member 1 (ABCC1 blood group); plus strand), ABCC6 (ATP binding cassette subfamily C member 6; minus strand), BMERB1 (bMERB domain containing 1; plus strand), CEP20 (centrosomal protein 20; minus strand), MARF1 (meiosis regulator and mRNA stability factor 1; minus strand) and 53 more. Cytogenetic location: 16p13.11.
Variant type: copy number gain.
Change: copy number 3 (three copies instead of two) of chr16:14,717,194-16,508,540 (1.79 Mb, GRCh38 coordinates, 1-based), cytogenetic band 16p13.11.
Identifiers: ClinVar variation 57625 (VCV000057625.2).